The following is an entry in ClinVar:

NM_003873.7(NRP1):c.1471G>A (p.Glu491Lys)

Gene: NRP1 (neuropilin 1; minus strand). Cytogenetic location: 10p11.22.
Variant type: single nucleotide variant.
Coding change: c.1471G>A on transcript NM_003873.7 (MANE Select); coding-DNA position 1471, G replaced by A.
Protein change: p.Glu491Lys; replaces glutamic acid 491 with lysine.
Molecular consequence: missense variant. On other transcripts: non-coding transcript variant (1).
Genome position (GRCh38, 1-based): chr10:33,213,529, C>T on the plus strand (G>A on the coding strand, the complement: NRP1 is on the minus strand). VCF-style: chr10-33213529-C-T. GRCh37 (hg19) VCF-style: chr10-33502457-C-T.
Other names: c.1471G>A, p.Glu491Lys (NM_001024628.3, NM_001024629.3, NM_001244972.2 and 2 more transcripts); short protein forms E491K.
Identifiers: ClinVar variation 4985430 (VCV004985430.1).

ClinVar aggregate classification (germline): Uncertain significance (1 of 4 stars; one submission).

Conditions:
NRP1-related disorder. Also called: NRP1-related condition.

gnomAD v4.1: 11 of 1,613,948 alleles (0.00068%); highest among the groups gnomAD compares: Non-Finnish European, 0.00093%; no homozygotes.

Submission:

PreventionGenetics, part of Exact Sciences
Classification: Uncertain significance for NRP1-related condition. Last evaluated: 2024-12-11. Review status: criteria provided, single submitter. Criteria: ACMG Guidelines, 2015. Collection method: clinical testing. Allele origin: germline.
Comment: The NRP1 c.1471G>A variant is predicted to result in the amino acid substitution p.Glu491Lys. To our knowledge, this variant has not been reported in the literature. This variant is reported in 0.00088% of alleles in individuals of European (Non-Finnish) descent in gnomAD. At this time, the clinical significance of this variant is uncertain due to the absence of conclusive functional and genetic evidence.